The following is an entry in ClinVar:

ClinVar aggregate classification (germline): Likely benign. Review status: criteria provided, multiple submitters, no conflicts (2 of 4 stars). 4 submissions from 4 submitters: Likely benign (4). Last evaluated 2026-05-01.

Conditions:
Inborn genetic diseases. Identifiers: MedGen C0950123, MeSH D030342.

Allele frequency attached by ClinVar (database versions not stated): gnomAD 0.00003 and 0.00005; gnomAD exomes 0.00003.

Submissions (4):

CeGaT Center for Human Genetics Tuebingen
Classification: Likely benign. Last evaluated: 2026-05-01. Review status: criteria provided, single submitter. Criteria: CeGaT Center For Human Genetics Tuebingen Variant Classification Criteria Version 2. Collection method: clinical testing. Allele origin: germline. Affected: yes. Observed: 1 variant allele.
Comment: ARID1B: BP4, BP7

Labcorp Genetics (formerly Invitae), Labcorp
Classification: Likely benign. Last evaluated: 2025-12-15. Review status: criteria provided, single submitter. Criteria: Invitae Variant Classification Sherloc (09022015). Collection method: clinical testing. Allele origin: germline.

Blueprint Genetics
Classification: Likely benign. Last evaluated: 2023-12-18. Review status: criteria provided, single submitter. Criteria: ACMG Guidelines, 2015. Collection method: clinical testing. Allele origin: germline.

Ambry Genetics
Classification: Likely benign for Inborn genetic diseases. Last evaluated: 2018-02-01. Review status: criteria provided, single submitter. Criteria: Ambry Variant Classification Scheme 2023. Collection method: clinical testing. Allele origin: germline.

NM_001374828.1(ARID1B):c.1392C>T (p.Gly464=)

Gene: ARID1B (AT-rich interaction domain 1B; plus strand). Cytogenetic location: 6q25.3.
Variant type: single nucleotide variant.
Coding change: c.1392C>T on transcript NM_001374828.1 (MANE Select); coding-DNA position 1392, C replaced by T.
Protein change: p.Gly464=; no amino-acid change (glycine 464 retained).
Molecular consequence: synonymous variant.
Genome position (GRCh38, 1-based): chr6:156,779,072, C>T. VCF-style: chr6-156779072-C-T. GRCh37 (hg19) VCF-style: chr6-157100206-C-T.
Other names: c.1392C>T, p.Gly464= (NM_001371656.1, NM_001374820.1, NM_017519.3); c.1143C>T (NM_020732.3).
Identifiers: ClinVar variation 1575804 (VCV001575804.13), dbSNP rs980614402, ClinGen allele CA150802776.
Genomic context (GRCh38, chr6:156,779,072, plus strand): 5'-GTCCGCGGGGTACGGGGTGCTGAGCTCCCCCCGGCAGCAGGGCGGCGGCATGATGATGGG[C>T]CCCGGGGGCGGCGGGGCCGCGAGCCTCAGCAAGGCGGCCGCCGGCTCGGCGGCGGGGGGC-3'
Protein context (NP_001361757.1, residues 454-474): PRQQGGGMMM[Gly464=]PGGGGAASLS